The following is an entry in ClinVar:

NM_001009944.3(PKD1):c.4274G>A (p.Arg1425His)

Gene: PKD1 (polycystin 1, transient receptor potential channel interacting; minus strand). Cytogenetic location: 16p13.3.
Variant type: single nucleotide variant.
Coding change: c.4274G>A on transcript NM_001009944.3 (MANE Select); coding-DNA position 4274, G replaced by A.
Protein change: p.Arg1425His; replaces arginine 1425 with histidine.
Molecular consequence: missense variant.
Genome position (GRCh38, 1-based): chr16:2,110,893, C>T on the plus strand (G>A on the coding strand, the complement: PKD1 is on the minus strand). VCF-style: chr16-2110893-C-T. GRCh37 (hg19) VCF-style: chr16-2160894-C-T.
Other names: c.4274G>A, p.Arg1425His (NM_000296.4); short protein forms R1425H.
Identifiers: ClinVar variation 3418968 (VCV003418968.2).
Genomic context (GRCh38, chr16:2,110,893, plus strand): 5'-ACTGTCACAAGATAGGAGCCTGGGTCTCGGTAGATGAACGTCACCTCAGGGCCCCTGGCA[C>T]GGGTGGGGGCGGCTTCCTCGGTGCCAAAGTCCCAGGTGTAGCGGTAGGGGAACGGGGGCC-3'
Protein context (NP_001009944.3, residues 1415-1435): DFGTEEAAPT[Arg1425His]ARGPEVTFIY

ClinVar aggregate classification (germline): Uncertain significance. Review status: criteria provided, multiple submitters, no conflicts (2 of 4 stars). 2 submissions from 2 submitters: Uncertain significance (2). Last evaluated 2025-12-18.

Conditions:
Inborn genetic diseases. Identifiers: MedGen C0950123, MeSH D030342.
PKD1-related disorder. Also called: PKD1-related condition.

gnomAD v4.1: 30 of 1,611,462 alleles (0.0019%); highest among the groups gnomAD compares: Admixed American, 0.005%; no homozygotes.

Submissions (2):

PreventionGenetics, part of Exact Sciences
Classification: Uncertain significance for PKD1-related condition. Last evaluated: 2025-12-18. Review status: criteria provided, single submitter. Criteria: ACMG Guidelines, 2015. Collection method: clinical testing. Allele origin: germline.
Comment: The PKD1 c.4274G>A variant is predicted to result in the amino acid substitution p.Arg1425His. To our knowledge, this variant has not been reported in the literature. This variant is reported in 0.0029% of alleles in individuals of Latino descent in gnomAD. At this time, the clinical significance of this variant is uncertain due to the absence of conclusive functional and genetic evidence.

Ambry Genetics
Classification: Uncertain significance for Inborn genetic diseases. Last evaluated: 2024-10-01. Review status: criteria provided, single submitter. Criteria: Ambry Variant Classification Scheme 2023. Collection method: clinical testing. Allele origin: germline.